The following is an entry in ClinVar:

ClinVar aggregate classification (germline): Pathogenic (1 of 4 stars; one submission).

Conditions:
X-linked agammaglobulinemia with growth hormone deficiency (IGHD3). Also called: HYPOGAMMAGLOBULINEMIA AND ISOLATED GROWTH HORMONE DEFICIENCY, X-LINKED; IGHD III; AGAMMAGLOBULINEMIA AND ISOLATED GROWTH HORMONE DEFICIENCY, X-LINKED; FLEISHER SYNDROME; ISOLATED GROWTH HORMONE DEFICIENCY, TYPE III, WITH AGAMMAGLOBULINEMIA; Isolated growth hormone deficiency type 3. Identifiers: Orphanet 231692, Orphanet 631, MedGen C0472813, MONDO:0010615, OMIM 307200.

Submission:

Labcorp Genetics (formerly Invitae), Labcorp
Classification: Pathogenic for X-linked agammaglobulinemia with growth hormone deficiency. Last evaluated: 2025-03-04. Review status: criteria provided, single submitter. Criteria: Invitae Variant Classification Sherloc (09022015). Collection method: clinical testing. Allele origin: germline.
Comment: This variant, c.1884_1895del, results in the deletion of 4 amino acid(s) of the BTK protein (p.Ile629_Ser632del), but otherwise preserves the integrity of the reading frame. This variant is not present in population databases (gnomAD no frequency). This variant has not been reported in the literature in individuals affected with BTK-related conditions. This variant disrupts a region of the BTK protein in which other variant(s) (p.Met630Thr) have been determined to be pathogenic (PMID: 7880320, 15661032, 16913189, 25777788). This suggests that this is a clinically significant region of the protein, and that variants that disrupt it are likely to be disease-causing. For these reasons, this variant has been classified as Pathogenic.

Literature cited by the submitters: PubMed 7880320; PubMed 15661032; PubMed 16913189; PubMed 25777788.

NM_000061.3(BTK):c.1884_1895del (p.Ile629_Ser632del)

Gene: BTK (Bruton tyrosine kinase; minus strand). Cytogenetic location: Xq22.1.
Variant type: Deletion.
Coding change: c.1884_1895del on transcript NM_000061.3 (MANE Select); coding-DNA positions 1884 to 1895, 12 bases deleted (CATCATGTACAG).
Protein change: p.Ile629_Ser632del.
Molecular consequence: inframe deletion.
Genome position (GRCh38, 1-based): chrX:101,353,207-101,353,218, CTGTACATGATG deleted on the plus strand (CATCATGTACAG on the coding strand, the reverse complement: BTK is on the minus strand). VCF-style (leftmost placement, unchanged base first): chrX-101353206-ACTGTACATGATG-A. GRCh37 (hg19) VCF-style: chrX-100608194-ACTGTACATGATG-A.
Other names: c.1986_1997del, p.Ile663_Ser666del (NM_001287344.2); c.1356_1367del, p.Ile453_Ser456del (NM_001287345.2).
Identifiers: ClinVar variation 4714189 (VCV004714189.1).